The following is an entry in ClinVar:

ClinVar aggregate classification (germline): Uncertain significance. Review status: criteria provided, multiple submitters, no conflicts (2 of 4 stars). 2 submissions from 2 submitters: Uncertain significance (2). Last evaluated 2021-10-13.

Conditions:
Usher syndrome type 2C. Also called: Usher syndrome, type 2B; USHER SYNDROME, TYPE IIC. Identifiers: Orphanet 231178, Orphanet 886, MedGen C2931213, MONDO:0011558, OMIM 605472.

Allele frequency attached by ClinVar (database versions not stated): TOPMed 0.00002; ExAC 0.00003; gnomAD exomes 0.00005.
gnomAD v4.1: 15 of 1,611,088 alleles (0.00093%); highest among the groups gnomAD compares: East Asian, 0.018%; no homozygotes.

Submissions (2):

Labcorp Genetics (formerly Invitae), Labcorp
Classification: Uncertain significance. Last evaluated: 2021-10-13. Review status: criteria provided, single submitter. Criteria: Invitae Variant Classification Sherloc (09022015). Collection method: clinical testing. Allele origin: germline.
Comment: This sequence change replaces arginine with histidine at codon 1841 of the ADGRV1 protein (p.Arg1841His). The arginine residue is weakly conserved and there is a small physicochemical difference between arginine and histidine. This variant is present in population databases (rs757053598, ExAC 0.02%). This variant has not been reported in the literature in individuals affected with ADGRV1-related conditions. ClinVar contains an entry for this variant (Variation ID: 907213). Algorithms developed to predict the effect of missense changes on protein structure and function output the following: SIFT: "Tolerated"; PolyPhen-2: "Benign"; Align-GVGD: "Class C0". The histidine amino acid residue is found in multiple mammalian species, which suggests that this missense change does not adversely affect protein function. In summary, the available evidence is currently insufficient to determine the role of this variant in disease. Therefore, it has been classified as a Variant of Uncertain Significance.

Illumina Laboratory Services, Illumina
Classification: Uncertain significance for Usher syndrome type 2C. Last evaluated: 2018-01-13. Review status: criteria provided, single submitter. Criteria: ICSL Variant Classification Criteria 13 December 2019. Collection method: clinical testing. Allele origin: germline.

NM_032119.4(ADGRV1):c.5522G>A (p.Arg1841His)

Gene: ADGRV1 (adhesion G protein-coupled receptor V1; plus strand). Cytogenetic location: 5q14.3.
Variant type: single nucleotide variant.
Coding change: c.5522G>A on transcript NM_032119.4 (MANE Select); coding-DNA position 5522, G replaced by A.
Protein change: p.Arg1841His; replaces arginine 1841 with histidine.
Molecular consequence: missense variant. On other transcripts: non-coding transcript variant (1).
Genome position (GRCh38, 1-based): chr5:90,679,627, G>A. VCF-style: chr5-90679627-G-A. GRCh37 (hg19) VCF-style: chr5-89975444-G-A.
Other names: short protein forms R1841H.
Identifiers: ClinVar variation 907213 (VCV000907213.6), dbSNP rs757053598, ClinGen allele CA3339592.